The following is an entry in ClinVar:

ClinVar aggregate classification (germline): Uncertain significance (1 of 4 stars; one submission).

Conditions:
Joubert syndrome 20 (JBTS20). Identifiers: Orphanet 475, MedGen C3554235, MONDO:0013994, OMIM 614970.
Meckel syndrome, type 11 (MKS11). Identifiers: Orphanet 564, MedGen C3809352, MONDO:0014164, OMIM 615397.

Submission:

Labcorp Genetics (formerly Invitae), Labcorp
Classification: Uncertain significance for Joubert syndrome 20; Meckel syndrome, type 11. Last evaluated: 2025-09-16. Review status: criteria provided, single submitter. Criteria: Invitae Variant Classification Sherloc (09022015). Collection method: clinical testing. Allele origin: germline.
Comment: This sequence change replaces valine, which is neutral and non-polar, with aspartic acid, which is acidic and polar, at codon 218 of the TMEM231 protein (p.Val218Asp). This variant is not present in population databases (gnomAD no frequency). This variant has not been reported in the literature in individuals affected with TMEM231-related conditions. ClinVar contains an entry for this variant (Variation ID: 665253). Experimental studies and prediction algorithms are not available or were not evaluated, and the functional significance of this variant is currently unknown. In summary, the available evidence is currently insufficient to determine the role of this variant in disease. Therefore, it has been classified as a Variant of Uncertain Significance.

NM_001077418.3(TMEM231):c.494T>A (p.Val165Asp)

Gene: TMEM231 (transmembrane protein 231; minus strand). Cytogenetic location: 16q23.1.
Variant type: single nucleotide variant.
Coding change: c.494T>A on transcript NM_001077418.3 (MANE Select); coding-DNA position 494, T replaced by A.
Protein change: p.Val165Asp; replaces valine 165 with aspartic acid.
Molecular consequence: missense variant. On other transcripts: non-coding transcript variant (1).
Genome position (GRCh38, 1-based): chr16:75,545,440, A>T on the plus strand (T>A on the coding strand, the complement: TMEM231 is on the minus strand). VCF-style: chr16-75545440-A-T. GRCh37 (hg19) VCF-style: chr16-75579338-A-T.
Other names: c.653T>A, p.Val218Asp (NM_001077416.2); short protein forms V218D, V165D.
Identifiers: ClinVar variation 665253 (VCV000665253.8), dbSNP rs1597041448, ClinGen allele CA396806774.